The following is an entry in ClinVar:

NM_007327.4(GRIN1):c.394-11G>A

Gene: GRIN1 (glutamate ionotropic receptor NMDA type subunit 1; plus strand). Cytogenetic location: 9q34.3.
Variant type: single nucleotide variant.
Coding change: c.394-11G>A on transcript NM_007327.4 (MANE Select); 11 bases into the intron before coding-DNA position 394, G replaced by A.
Molecular consequence: intron variant.
Genome position (GRCh38, 1-based): chr9:137,145,715, G>A. VCF-style: chr9-137145715-G-A. GRCh37 (hg19) VCF-style: chr9-140040167-G-A.
Other names: c.394-11G>A (NM_001185090.2, NM_001185091.2, NM_021569.4 and 1 more transcripts).
Identifiers: ClinVar variation 380817 (VCV000380817.9), dbSNP rs75081117, ClinGen allele CA5360649.

ClinVar aggregate classification (germline): Benign. Review status: criteria provided, multiple submitters, no conflicts (2 of 4 stars). 2 submissions from 2 submitters: Benign (2). Last evaluated 2026-02-02.

Conditions:
Neurodevelopmental disorder with or without hyperkinetic movements and seizures, autosomal dominant. Also called: Intellectual disability, autosomal dominant 8. Identifiers: MedGen C3280282, MONDO:0013655, OMIM 614254.

Allele frequency attached by ClinVar (database versions not stated): ESP Exome Variant Server 0.00031; TOPMed 0.00162; gnomAD exomes 0.00210 and 0.00521; gnomAD 0.00274 and 0.00296; ExAC 0.00492; 1000 Genomes Project 30x 0.00500; 1000 Genomes Project 0.00579.
gnomAD v4.1: 3,528 of 1,610,908 alleles (0.22%); highest among the groups gnomAD compares: East Asian, 3.5%; 38 homozygotes.

Submissions (2):

Labcorp Genetics (formerly Invitae), Labcorp
Classification: Benign for Neurodevelopmental disorder with or without hyperkinetic movements and seizures, autosomal dominant. Last evaluated: 2026-02-02. Review status: criteria provided, single submitter. Criteria: Invitae Variant Classification Sherloc (09022015). Collection method: clinical testing. Allele origin: germline.

GeneDx
Classification: Benign. Last evaluated: 2016-10-07. Review status: criteria provided, single submitter. Criteria: GeneDx Variant Classification (06012015). Collection method: clinical testing. Allele origin: germline. Affected: yes.
Comment: This variant is considered likely benign or benign based on one or more of the following criteria: it is a conservative change, it occurs at a poorly conserved position in the protein, it is predicted to be benign by multiple in silico algorithms, and/or has population frequency not consistent with disease.